The following is an entry in ClinVar:

NM_139057.4(ADAMTS17):c.2717C>T (p.Pro906Leu)

Gene: ADAMTS17 (ADAM metallopeptidase with thrombospondin type 1 motif 17; minus strand). Cytogenetic location: 15q26.3.
Variant type: single nucleotide variant.
Coding change: c.2717C>T on transcript NM_139057.4 (MANE Select); coding-DNA position 2717, C replaced by T.
Protein change: p.Pro906Leu; replaces proline 906 with leucine.
Molecular consequence: missense variant.
Genome position (GRCh38, 1-based): chr15:99,997,464, G>A on the plus strand (C>T on the coding strand, the complement: ADAMTS17 is on the minus strand). VCF-style: chr15-99997464-G-A. GRCh37 (hg19) VCF-style: chr15-100537669-G-A.
Other names: short protein forms P906L.
Identifiers: ClinVar variation 2153439 (VCV002153439.1), dbSNP rs778303777, ClinGen allele CA7757607.

ClinVar aggregate classification (germline): Uncertain significance (1 of 4 stars; one submission).

Allele frequency attached by ClinVar (database versions not stated): TOPMed 0.00001; ExAC 0.00003.

Submission:

Labcorp Genetics (formerly Invitae), Labcorp
Classification: Uncertain significance. Last evaluated: 2022-02-27. Review status: criteria provided, single submitter. Criteria: Invitae Variant Classification Sherloc (09022015). Collection method: clinical testing. Allele origin: germline.
Comment: This sequence change replaces proline, which is neutral and non-polar, with leucine, which is neutral and non-polar, at codon 906 of the ADAMTS17 protein (p.Pro906Leu). This variant is present in population databases (rs778303777, gnomAD 0.007%). This variant has not been reported in the literature in individuals affected with ADAMTS17-related conditions. Algorithms developed to predict the effect of missense changes on protein structure and function output the following: SIFT: "Not Available"; PolyPhen-2: "Benign"; Align-GVGD: "Not Available". The leucine amino acid residue is found in multiple mammalian species, which suggests that this missense change does not adversely affect protein function. In summary, the available evidence is currently insufficient to determine the role of this variant in disease. Therefore, it has been classified as a Variant of Uncertain Significance.